The following is an entry in ClinVar:

ClinVar aggregate classification (germline): Likely benign. Review status: criteria provided, multiple submitters, no conflicts (2 of 4 stars). 3 submissions from 3 submitters: Likely benign (3). Last evaluated 2024-01-11.

Conditions:
Cardiac arrhythmia. Also called: Arrhythmia; Cardiac rhythm disease. Identifiers: MedGen C0003811, MONDO:0007263, HP:0011675.
Long QT syndrome (LQTS). Identifiers: MedGen C0023976, MeSH D008133, MONDO:0002442. Disease mechanism: loss of function. Inheritance: Various modes of inheritance.

Allele frequency attached by ClinVar (database versions not stated): gnomAD exomes below 0.00001; TOPMed 0.00001.
gnomAD v4.1: 2 of 1,614,162 alleles (0.00012%); highest among the groups gnomAD compares: East Asian, 0.0022%; no homozygotes.

Submissions (3):

All of Us Research Program, National Institutes of Health
Classification: Likely benign for Long QT syndrome. Last evaluated: 2024-01-11. Review status: criteria provided, single submitter. Criteria: ACMG Guidelines, 2015. Collection method: clinical testing. Allele origin: germline. Inheritance: Autosomal dominant inheritance. Observed: 1 variant allele, 1 heterozygote.
Comment: This study involves interpretation of variants in research participants for the purpose of population health screening. Participant phenotype was not available at the time of variant classification. Additional details can be found in publication PMID: 35346344, PMCID: PMC8962531

Labcorp Genetics (formerly Invitae), Labcorp
Classification: Likely benign for Long QT syndrome. Last evaluated: 2023-01-31. Review status: criteria provided, single submitter. Criteria: Invitae Variant Classification Sherloc (09022015). Collection method: clinical testing. Allele origin: germline.

Color Diagnostics, LLC DBA Color Health
Classification: Likely benign for Arrhythmia. Last evaluated: 2019-06-13. Review status: criteria provided, single submitter. Criteria: ACMG Guidelines, 2015. Collection method: clinical testing. Allele origin: germline.

NM_000238.4(KCNH2):c.1518C>A (p.Ile506=)

Gene: KCNH2 (potassium voltage-gated channel subfamily H member 2; minus strand). Cytogenetic location: 7q36.1.
Variant type: single nucleotide variant.
Coding change: c.1518C>A on transcript NM_000238.4 (MANE Select); coding-DNA position 1518, C replaced by A.
Protein change: p.Ile506=; no amino-acid change (isoleucine 506 retained).
Molecular consequence: synonymous variant. On other transcripts: non-coding transcript variant (2).
Genome position (GRCh38, 1-based): chr7:150,952,464, G>T on the plus strand (C>A on the coding strand, the complement: KCNH2 is on the minus strand). VCF-style: chr7-150952464-G-T. GRCh37 (hg19) VCF-style: chr7-150649552-G-T.
Other names: c.498C>A, p.Ile166= (NM_001204798.2, NM_172057.3); c.1230C>A, p.Ile410= (NM_001406753.1, NM_001406756.1); c.1341C>A, p.Ile447= (NM_001406755.1); c.1218C>A, p.Ile406= (NM_001406757.1); c.1518C>A, p.Ile506= (NM_172056.3).
Identifiers: ClinVar variation 921889 (VCV000921889.9), dbSNP rs1418058264, ClinGen allele CA458871595.
Genomic context (GRCh38, chr7:150,952,464, plus strand): 5'-CTGCCTCCTTGCTGACCCCACCTCCTCAGAGCCAGAGCCGAAGATGAGCAGGTCGAAGGG[G>T]ATGGCGGCCACCATGTCGATGAGGAACCAGCCCTTGAAGTAGTGGACGGCGATGCGGCCG-3'
Protein context (NP_000229.1, residues 496-516): GWFLIDMVAA[Ile506=]PFDLLIFGSG